The following is an entry in ClinVar:

ClinVar aggregate classification (germline): Uncertain significance (1 of 4 stars; one submission).

gnomAD v4.1: 2 of 1,613,868 alleles (0.00012%); highest among the groups gnomAD compares: Non-Finnish European, 0.00017%; no homozygotes.

Submission:

Labcorp Genetics (formerly Invitae), Labcorp
Classification: Uncertain significance. Last evaluated: 2025-11-18. Review status: criteria provided, single submitter. Criteria: Invitae Variant Classification Sherloc (09022015). Collection method: clinical testing. Allele origin: germline.
Comment: This sequence change replaces serine, which is neutral and polar, with leucine, which is neutral and non-polar, at codon 765 of the LRP5 protein (p.Ser765Leu). This variant is not present in population databases (gnomAD no frequency). This missense change has been observed in individual(s) with osteoporosis (PMID: 39316135). Invitae Evidence Modeling of protein sequence and biophysical properties (such as structural, functional, and spatial information, amino acid conservation, physicochemical variation, residue mobility, and thermodynamic stability) has been performed for this missense variant. However, the output from this modeling did not meet the statistical confidence thresholds required to predict the impact of this variant on LRP5 protein function. In summary, the available evidence is currently insufficient to determine the role of this variant in disease. Therefore, it has been classified as a Variant of Uncertain Significance.

Literature cited by the submitters: PubMed 39316135.

NM_002335.4(LRP5):c.2294C>T (p.Ser765Leu)

Gene: LRP5 (LDL receptor related protein 5; plus strand). Cytogenetic location: 11q13.2.
Variant type: single nucleotide variant.
Coding change: c.2294C>T on transcript NM_002335.4 (MANE Select); coding-DNA position 2294, C replaced by T.
Protein change: p.Ser765Leu; replaces serine 765 with leucine.
Molecular consequence: missense variant.
Genome position (GRCh38, 1-based): chr11:68,410,116, C>T. VCF-style: chr11-68410116-C-T. GRCh37 (hg19) VCF-style: chr11-68177584-C-T.
Other names: c.551C>T, p.Ser184Leu (NM_001291902.2); short protein forms S184L, S765L.
Identifiers: ClinVar variation 4800455 (VCV004800455.1).